The following is an entry in ClinVar:

ClinVar aggregate classification (germline): Likely benign. Review status: criteria provided, multiple submitters, no conflicts (2 of 4 stars). 4 submissions from 4 submitters: Likely benign (4). Last evaluated 2026-01-07.

Conditions:
Alstrom syndrome (ALMS). Identifiers: Orphanet 64, MedGen C0268425, MONDO:0008763, OMIM 203800.
Cardiovascular phenotype. Identifiers: MedGen CN230736.

Allele frequency attached by ClinVar (database versions not stated): ExAC 0.00002; gnomAD exomes 0.00002; gnomAD 0.00009; 1000 Genomes Project 0.00020; TOPMed 0.00024; 1000 Genomes Project 30x 0.00031.
gnomAD v4.1: 26 of 1,614,054 alleles (0.0016%); highest among the groups gnomAD compares: Admixed American, 0.035%; no homozygotes.

Submissions (4):

Labcorp Genetics (formerly Invitae), Labcorp
Classification: Likely benign for Alstrom syndrome. Last evaluated: 2026-01-07. Review status: criteria provided, single submitter. Criteria: Invitae Variant Classification Sherloc (09022015). Collection method: clinical testing. Allele origin: germline.

Women's Health and Genetics/Laboratory Corporation of America, LabCorp
Classification: Likely benign. Last evaluated: 2022-01-31. Review status: criteria provided, single submitter. Criteria: LabCorp Variant Classification Summary - May 2015. Collection method: clinical testing. Allele origin: germline.
Comment: Variant summary: ALMS1 c.5979G>A alters a conserved nucleotide resulting in a synonymous change. 4/4 computational tools predict no significant impact on normal splicing. However, these predictions have yet to be confirmed by functional studies. The variant allele was found at a frequency of 2e-05 in 248944 control chromosomes (gnomAD). The available data on variant occurrences in the general population are insufficient to allow any conclusion about variant significance. To our knowledge, no occurrence of c.5979G>A in individuals affected with Alstrom Syndrome With Dilated Cardiomyopathy and no experimental evidence demonstrating its impact on protein function have been reported. One clinical diagnostic laboratory has submitted clinical-significance assessments for this variant to ClinVar after 2014 without evidence for independent evaluation. One laboratory classified the variant as likely benign. Based on the evidence outlined above, the variant was classified as likely benign.

Blueprint Genetics
Classification: Likely benign. Last evaluated: 2019-09-16. Review status: criteria provided, single submitter. Criteria: ACMG Guidelines, 2015. Collection method: clinical testing. Allele origin: germline.

Ambry Genetics
Classification: Likely benign for Cardiovascular phenotype. Last evaluated: 2019-07-02. Review status: criteria provided, single submitter. Criteria: Ambry Variant Classification Scheme 2023. Collection method: clinical testing. Allele origin: germline.

NM_001378454.1(ALMS1):c.5982G>A (p.Glu1994=)

Gene: ALMS1 (ALMS1 centrosome and basal body associated protein; plus strand). Cytogenetic location: 2p13.1.
Variant type: single nucleotide variant.
Coding change: c.5982G>A on transcript NM_001378454.1 (MANE Select); coding-DNA position 5982, G replaced by A.
Protein change: p.Glu1994=; no amino-acid change (glutamic acid 1994 retained).
Molecular consequence: synonymous variant.
Genome position (GRCh38, 1-based): chr2:73,452,509, G>A. VCF-style: chr2-73452509-G-A. GRCh37 (hg19) VCF-style: chr2-73679636-G-A.
Other names: c.5985G>A, p.Glu1995= (NM_015120.4).
Identifiers: ClinVar variation 1095282 (VCV001095282.13), dbSNP rs186849322, ClinGen allele CA1713976.